The following is an entry in ClinVar:

ClinVar aggregate classification (germline): Uncertain significance (1 of 4 stars; one submission).

Conditions:
Baller-Gerold syndrome (BGS). Also called: CRANIOSYNOSTOSIS WITH RADIAL DEFECTS. Identifiers: Orphanet 1225, MedGen C0265308, MONDO:0009039, OMIM 218600.

Allele frequency attached by ClinVar (database versions not stated): gnomAD 0.00001; TOPMed 0.00002.
gnomAD v4.1: 4 of 1,565,056 alleles (0.00026%); highest among the groups gnomAD compares: African/African-American, 0.0041%; no homozygotes.

Submission:

Labcorp Genetics (formerly Invitae), Labcorp
Classification: Uncertain significance for Baller-Gerold syndrome. Last evaluated: 2023-10-20. Review status: criteria provided, single submitter. Criteria: Invitae Variant Classification Sherloc (09022015). Collection method: clinical testing. Allele origin: germline.
Comment: This sequence change replaces proline, which is neutral and non-polar, with alanine, which is neutral and non-polar, at codon 669 of the RECQL4 protein (p.Pro669Ala). This variant is not present in population databases (gnomAD no frequency). This variant has not been reported in the literature in individuals affected with RECQL4-related conditions. ClinVar contains an entry for this variant (Variation ID: 1023080). Advanced modeling of protein sequence and biophysical properties (such as structural, functional, and spatial information, amino acid conservation, physicochemical variation, residue mobility, and thermodynamic stability) performed at Invitae indicates that this missense variant is not expected to disrupt RECQL4 protein function. In summary, the available evidence is currently insufficient to determine the role of this variant in disease. Therefore, it has been classified as a Variant of Uncertain Significance.

NM_004260.4(RECQL4):c.2005C>G (p.Pro669Ala)

Gene: RECQL4 (RecQ like helicase 4; minus strand). Cytogenetic location: 8q24.3.
Variant type: single nucleotide variant.
Coding change: c.2005C>G on transcript NM_004260.4 (MANE Select); coding-DNA position 2005, C replaced by G.
Protein change: p.Pro669Ala; replaces proline 669 with alanine.
Molecular consequence: missense variant.
Genome position (GRCh38, 1-based): chr8:144,513,981, G>C on the plus strand (C>G on the coding strand, the complement: RECQL4 is on the minus strand). VCF-style: chr8-144513981-G-C. GRCh37 (hg19) VCF-style: chr8-145739365-G-C.
Other names: short protein forms P669A.
Identifiers: ClinVar variation 1023080 (VCV001023080.5), dbSNP rs888214723, ClinGen allele CA372680324.
Genomic context (GRCh38, chr8:144,513,981, plus strand): 5'-CACCCACCTGGTCTGTGTCCCTGTCCATGGACACGGAAAGGTGCAGGTTGGTGGGAACTG[G>C]GGCTGGCCCGTGGAGGTCAGGCTCTTCAGCCACAGCCAGGTGCTGTGCCACGTCACTGGC-3'
Protein context (NP_004251.4, residues 659-679): AEEPDLHGPA[Pro669Ala]VPTNLHLSVS